The following is an entry in ClinVar:

ClinVar aggregate classification (germline): Uncertain significance (1 of 4 stars; one submission).

Submission:

GeneDx
Classification: Uncertain significance. Last evaluated: 2026-03-02. Review status: criteria provided, single submitter. Criteria: GeneDx Variant Classification Process June 2021. Collection method: clinical testing. Allele origin: germline.
Comment: Not observed at significant frequency in large population cohorts (gnomAD); In silico analysis suggests that this missense variant does not alter protein structure/function; Has not been previously published as pathogenic or benign to our knowledge

NM_001079668.3(NKX2-1):c.271C>G (p.His91Asp)

Genes: NKX2-1 (NK2 homeobox 1; minus strand), SFTA3 (surfactant associated 3; minus strand). Cytogenetic location: 14q13.3.
Variant type: single nucleotide variant.
Coding change: c.271C>G on transcript NM_001079668.3 (MANE Select); coding-DNA position 271, C replaced by G.
Protein change: p.His91Asp; replaces histidine 91 with aspartic acid.
Molecular consequence: missense variant.
Genome position (GRCh38, 1-based): chr14:36,519,177, G>C on the plus strand (C>G on the coding strand, the complement: NKX2-1 is on the minus strand). VCF-style: chr14-36519177-G-C. GRCh37 (hg19) VCF-style: chr14-36988382-G-C.
Other names: c.181C>G, p.His61Asp (NM_003317.4); short protein forms H61D, H91D.
Identifiers: ClinVar variation 5008403 (VCV005008403.1).